The following is an entry in ClinVar:

ClinVar aggregate classification (germline): Uncertain significance. Review status: criteria provided, multiple submitters, no conflicts (2 of 4 stars). 4 submissions from 4 submitters: Uncertain significance (4). Last evaluated 2025-09-04.

Conditions:
Hereditary cancer-predisposing syndrome. Also called: Tumor predisposition; Neoplastic Syndromes, Hereditary; Hereditary neoplastic syndrome; Hereditary Cancer Syndrome. Identifiers: Orphanet 140162, MedGen C0027672, MeSH D009386, MONDO:0015356.
Ataxia-telangiectasia syndrome (AT). Also called: Ataxia-telangiectasia, complementation group D; AT, COMPLEMENTATION GROUP C; ATAXIA-TELANGIECTASIA, COMPLEMENTATION GROUP A; ATAXIA-TELANGIECTASIA, FRESNO VARIANT; Ataxia-telangiectasia; Ataxia telangiectasia (A-T). Identifiers: Orphanet 100, MedGen C0004135, MONDO:0008840, OMIM 208900.

Submissions (4):

Ambry Genetics
Classification: Uncertain significance for Hereditary cancer-predisposing syndrome. Last evaluated: 2025-09-04. Review status: criteria provided, single submitter. Criteria: Ambry Variant Classification Scheme 2023. Collection method: clinical testing. Allele origin: germline.
Comment: The p.V2949A variant (also known as c.8846T>C), located in coding exon 60 of the ATM gene, results from a T to C substitution at nucleotide position 8846. The valine at codon 2949 is replaced by alanine, an amino acid with similar properties. This amino acid position is highly conserved in available vertebrate species. In addition, this alteration is predicted to be deleterious by in silico analysis. Since supporting evidence is limited at this time, the clinical significance of this alteration remains unclear.

Labcorp Genetics (formerly Invitae), Labcorp
Classification: Uncertain significance for Ataxia-telangiectasia syndrome. Last evaluated: 2023-06-14. Review status: criteria provided, single submitter. Criteria: Invitae Variant Classification Sherloc (09022015). Collection method: clinical testing. Allele origin: germline.
Comment: This sequence change replaces valine, which is neutral and non-polar, with alanine, which is neutral and non-polar, at codon 2949 of the ATM protein (p.Val2949Ala). This variant is not present in population databases (gnomAD no frequency). This variant has not been reported in the literature in individuals affected with ATM-related conditions. ClinVar contains an entry for this variant (Variation ID: 955748). An algorithm developed to predict the effect of missense changes on protein structure and function (PolyPhen-2) suggests that this variant is likely to be disruptive. In summary, the available evidence is currently insufficient to determine the role of this variant in disease. Therefore, it has been classified as a Variant of Uncertain Significance.

Mendelics
Classification: Uncertain significance. Last evaluated: 2022-05-04. Review status: criteria provided, single submitter. Criteria: Mendelics Assertion Criteria 2019. Collection method: clinical testing. Allele origin: germline.

GeneDx
Classification: Uncertain significance. Last evaluated: 2022-03-25. Review status: criteria provided, single submitter. Criteria: GeneDx Variant Classification Process June 2021. Collection method: clinical testing. Allele origin: germline. Affected: yes.
Comment: Not observed at significant frequency in large population cohorts (gnomAD); In silico analysis supports that this missense variant has a deleterious effect on protein structure/function; Has not been previously published as pathogenic or benign to our knowledge; This variant is associated with the following publications: (PMID: 23532176)

NM_000051.4(ATM):c.8846T>C (p.Val2949Ala)

Genes: ATM (ATM serine/threonine kinase; plus strand), C11orf65 (chromosome 11 open reading frame 65; minus strand). Cytogenetic location: 11q22.3.
Variant type: single nucleotide variant.
Coding change: c.8846T>C on transcript NM_000051.4 (MANE Select); coding-DNA position 8846, T replaced by C.
Protein change: p.Val2949Ala; replaces valine 2949 with alanine.
Molecular consequence: missense variant. On other transcripts: intron variant (2).
Genome position (GRCh38, 1-based): chr11:108,354,870, T>C. VCF-style: chr11-108354870-T-C. GRCh37 (hg19) VCF-style: chr11-108225597-T-C.
Other names: c.8846T>C, p.Val2949Ala (NM_001351834.2); c.640+31050A>G (NM_001330368.2); c.695-19578A>G (NM_001351110.2); short protein forms V2949A.
Identifiers: ClinVar variation 955748 (VCV000955748.16), dbSNP rs2089701066, ClinGen allele CA382526096.